The following is an entry in ClinVar:

ClinVar aggregate classification (germline): Likely benign (0 of 4 stars; one submission).

Conditions:
KIDINS220-related disorder. Also called: KIDINS220-related condition.

Allele frequency attached by ClinVar (database versions not stated): gnomAD exomes 0.00011; TOPMed 0.00045; 1000 Genomes Project 0.00140; ExAC 0.00024; 1000 Genomes Project 30x 0.00141; gnomAD 0.00029.
gnomAD v4.1: 184 of 1,288,696 alleles (0.014%); highest among the groups gnomAD compares: East Asian, 0.79%; 1 homozygote.

Submission:

PreventionGenetics, part of Exact Sciences
Classification: Likely benign for KIDINS220-related condition. Last evaluated: 2022-11-22. Review status: no assertion criteria provided. Collection method: clinical testing. Allele origin: germline.
Comment: This variant is classified as likely benign based on ACMG/AMP sequence variant interpretation guidelines (Richards et al. 2015 PMID: 25741868, with internal and published modifications).

NM_001348743.2(KIDINS220):c.3929A>G (p.Asp1310Gly)

Gene: KIDINS220 (kinase D interacting substrate 220; minus strand). Cytogenetic location: 2p25.1.
Variant type: single nucleotide variant.
Coding change: c.3929A>G on transcript NM_001348743.2; coding-DNA position 3929, A replaced by G.
Protein change: p.Asp1310Gly; replaces aspartic acid 1310 with glycine.
Molecular consequence: missense variant. On other transcripts: non-coding transcript variant (2).
Genome position (GRCh38, 1-based): chr2:8,726,897, T>C on the plus strand (A>G on the coding strand, the complement: KIDINS220 is on the minus strand). VCF-style: chr2-8726897-T-C. GRCh37 (hg19) VCF-style: chr2-8867027-T-C.
Other names: c.3929A>G, p.Asp1310Gly (NM_001348742.2, NM_001348741.2); c.4043A>G, p.Asp1348Gly (NM_001348738.2); c.3932A>G, p.Asp1311Gly (NM_001348739.2, NM_001348740.2); short protein forms D1310G, D1311G, D1348G.
Identifiers: ClinVar variation 3051329 (VCV003051329.2), dbSNP rs150344773, ClinGen allele CA1519205.